The following is an entry in ClinVar:

ClinVar aggregate classification (germline): Pathogenic (1 of 4 stars; one submission).

Conditions:
RYR1-related disorder. Also called: RYR1-related condition; RYR1-related disorders. Identifiers: MedGen CN239331.

Submission:

Labcorp Genetics (formerly Invitae), Labcorp
Classification: Pathogenic for RYR1-related disorder. Last evaluated: 2022-07-26. Review status: criteria provided, single submitter. Criteria: Invitae Variant Classification Sherloc (09022015). Collection method: clinical testing. Allele origin: germline.
Comment: This variant is not present in population databases (gnomAD no frequency). This sequence change creates a premature translational stop signal (p.Glu4634*) in the RYR1 gene. It is expected to result in an absent or disrupted protein product. Loss-of-function variants in RYR1 are known to be pathogenic (PMID: 20583297, 20839240, 23919265, 28818389). This variant has not been reported in the literature in individuals affected with RYR1-related conditions. For these reasons, this variant has been classified as Pathogenic. Algorithms developed to predict the effect of sequence changes on RNA splicing suggest that this variant may create or strengthen a splice site. ClinVar contains an entry for this variant (Variation ID: 1456732).

Literature cited by the submitters: PubMed 20583297; PubMed 20839240; PubMed 23919265; PubMed 28818389.

NM_000540.3(RYR1):c.13900G>T (p.Glu4634Ter)

Gene: RYR1 (ryanodine receptor 1; plus strand). Cytogenetic location: 19q13.2.
Variant type: single nucleotide variant.
Coding change: c.13900G>T on transcript NM_000540.3 (MANE Select); coding-DNA position 13900, G replaced by T.
Protein change: p.Glu4634Ter; replaces glutamic acid 4634 with a stop codon.
Molecular consequence: nonsense.
Genome position (GRCh38, 1-based): chr19:38,572,172, G>T. VCF-style: chr19-38572172-G-T. GRCh37 (hg19) VCF-style: chr19-39062812-G-T.
Other names: c.13885G>T, p.Glu4629Ter (NM_001042723.2); short protein forms E4634*, E4629*.
Identifiers: ClinVar variation 1456732 (VCV001456732.6), dbSNP rs118192133, ClinGen allele CA405680931.
Genomic context (GRCh38, chr19:38,572,172, plus strand): 5'-TTGGGGGCCGGAGAGGAGGCAGAGGGCGATGAGGATGAGAACATGGTGTACTACTTCCTG[G>T]AGGAAAGCACAGGCTACATGGAACCCGCCCTGCGGTGTCTGAGCCTCCTGCATACACTGG-3'